The following is an entry in ClinVar:

NM_000038.6(APC):c.3391_5366del (p.Gln1131fs)

Gene: APC (APC regulator of Wnt signaling pathway; plus strand). Cytogenetic location: 5q22.2.
Variant type: Deletion.
Coding change: c.3391_5366del on transcript NM_000038.6 (MANE Select); coding-DNA positions 3391 to 5366, 1,976 bases deleted.
Protein change: p.Gln1131fs; shifts the reading frame from glutamine 1131.
Molecular consequence: frameshift variant. On other transcripts: non-coding transcript variant (2).
Genome position (GRCh38, 1-based): chr5:112,838,985-112,840,960, 1,976 bases deleted. GRCh37 (hg19): chr5:112,174,682-112,176,657.
Other names: c.3391_5366del, p.Gln1131fs (NM_001127510.3, NM_001354895.2, NM_001407450.1); c.3337_5312del, p.Gln1113fs (NM_001127511.3); c.3088_5063del, p.Gln1030fs (NM_001407459.1, NM_001407460.1, NM_001354903.2 and 1 more transcripts); c.3004_4979del, p.Gln1002fs (NM_001407467.1, NM_001407469.1); c.2542_4517del, p.Gln848fs (NM_001407470.1, NM_001354906.2); c.2239_4214del, p.Gln747fs (NM_001407471.1, NM_001407472.1); c.3445_5420del, p.Gln1149fs (NM_001354896.2, NM_001407447.1, NM_001407448.1 and 1 more transcripts); c.3421_5396del, p.Gln1141fs (NM_001354897.2); and 11 more; short protein forms Q1002fs, Q1030fs, Q1040fs, Q1106fs, Q1141fs, Q971fs, Q1124fs, Q1131fs.
Identifiers: ClinVar variation 3305651 (VCV003305651.1).

ClinVar aggregate classification (germline): Pathogenic (1 of 4 stars; one submission).

Conditions:
Hereditary cancer-predisposing syndrome. Also called: Tumor predisposition; Hereditary Cancer Syndrome; Hereditary neoplastic syndrome; Neoplastic Syndromes, Hereditary. Identifiers: Orphanet 140162, MedGen C0027672, MeSH D009386, MONDO:0015356.

Submission:

Ambry Genetics
Classification: Pathogenic for Hereditary cancer-predisposing syndrome. Last evaluated: 2024-06-07. Review status: criteria provided, single submitter. Criteria: Ambry Variant Classification Scheme 2023. Collection method: clinical testing. Allele origin: germline.
Comment: The c.3391_5366del1976 pathogenic mutation, located in coding exon 15 of the APC gene, results from a deletion of 1976 nucleotides at nucleotide positions 3386 to 5366, causing a translational frameshift with a predicted alternate stop codon (p.Q1131Kfs*9). This alteration occurs at the 3' terminus of theAPC gene, is not expected to trigger nonsense-mediated mRNA decay, and impacts the last 40% of the protein. However, premature stop codons are typically deleterious in nature and the impacted region is critical for protein function (Ambry internal data). This variant has been observed in at least one individual with a personal and/or family history that is consistent with APC-associated polyposis (Ambry internal data). This variant is considered to be rare based on population cohorts in the Genome Aggregation Database (gnomAD). Based on the supporting evidence, this variant is interpreted as a disease-causing mutation.